The following is an entry in ClinVar:

NM_000264.5(PTCH1):c.768G>A (p.Trp256Ter)

Gene: PTCH1 (patched 1; minus strand). Cytogenetic location: 9q22.32.
Variant type: single nucleotide variant.
Coding change: c.768G>A on transcript NM_000264.5 (MANE Select); coding-DNA position 768, G replaced by A.
Protein change: p.Trp256Ter; replaces tryptophan 256 with a stop codon.
Molecular consequence: nonsense. On other transcripts: non-coding transcript variant (1).
Genome position (GRCh38, 1-based): chr9:95,480,567, C>T on the plus strand (G>A on the coding strand, the complement: PTCH1 is on the minus strand). VCF-style: chr9-95480567-C-T. GRCh37 (hg19) VCF-style: chr9-98242849-C-T.
Other names: c.768G>A, p.Trp256Ter (NM_001354918.2); c.315G>A, p.Trp105Ter (NM_001083606.3, NM_001083607.3, NM_001083604.3 and 1 more transcripts); c.570G>A, p.Trp190Ter (NM_001083602.3); c.765G>A, p.Trp255Ter (NM_001083603.3); short protein forms W105*, W190*, W256*, W255*.
Identifiers: ClinVar variation 2822849 (VCV002822849.3), dbSNP rs2118427528, ClinGen allele CA374114531.
Genomic context (GRCh38, chr9:95,480,567, plus strand): 5'-GTCCACTTGATAGTTTATTTTCTTTAACTCTTCCAGGAATTCCAAAGGGTCGAAGTTTGT[C>T]CACCGCAAAGGAGGTTTACCTCTGCAAAAGAAATTAGGAGACGAGACCATGAAAAGAGCC-3'

ClinVar aggregate classification (germline): Pathogenic (1 of 4 stars; one submission).

Conditions:
Gorlin syndrome. Also called: Nevoid Basal Cell Carcinoma Syndrome; Basal cell nevus syndrome. Identifiers: Orphanet 377, MedGen C0004779, MONDO:0007187.

Submission:

Labcorp Genetics (formerly Invitae), Labcorp
Classification: Pathogenic for Gorlin syndrome. Last evaluated: 2022-12-21. Review status: criteria provided, single submitter. Criteria: Invitae Variant Classification Sherloc (09022015). Collection method: clinical testing. Allele origin: germline.
Comment: This variant is not present in population databases (gnomAD no frequency). For these reasons, this variant has been classified as Pathogenic. This variant has not been reported in the literature in individuals affected with PTCH1-related conditions. This sequence change creates a premature translational stop signal (p.Trp256*) in the PTCH1 gene. It is expected to result in an absent or disrupted protein product. Loss-of-function variants in PTCH1 are known to be pathogenic (PMID: 16301862, 16419085).

Literature cited by the submitters: PubMed 16301862; PubMed 16419085.